The following is an entry in ClinVar:

ClinVar aggregate classification (germline): Likely pathogenic (1 of 4 stars; one submission).

Conditions:
Pyknodysostosis. Also called: Pycnodysostosis. Identifiers: Orphanet 763, MedGen C0238402, MONDO:0009940, OMIM 265800.

Submission:

Myriad Genetics, Inc.
Classification: Likely pathogenic for Pyknodysostosis. Last evaluated: 2022-04-13. Review status: criteria provided, single submitter. Criteria: Myriad Women's Health Autosomal Recessive and X-Linked Classification Criteria (2021). Collection method: clinical testing. Allele origin: unknown.
Comment: NM_000396.3(CTSK):c.334G>T(E112*) is expected to be pathogenic in the context of pycnodysostosis. This variant is predicted to lead to an abnormal or absent protein product due to the creation of a premature termination codon in CTSK, a gene where loss-of-function variants are known to be pathogenic. Please note: this variant was assessed in the context of healthy population screening.

NM_000396.4(CTSK):c.334G>T (p.Glu112Ter)

Gene: CTSK (cathepsin K; minus strand). Cytogenetic location: 1q21.3.
Variant type: single nucleotide variant.
Coding change: c.334G>T on transcript NM_000396.4 (MANE Select); coding-DNA position 334, G replaced by T.
Protein change: p.Glu112Ter; replaces glutamic acid 112 with a stop codon.
Molecular consequence: nonsense.
Genome position (GRCh38, 1-based): chr1:150,805,926, C>A on the plus strand (G>T on the coding strand, the complement: CTSK is on the minus strand). VCF-style: chr1-150805926-C-A. GRCh37 (hg19) VCF-style: chr1-150778402-C-A.
Other names: short protein forms E112*.
Identifiers: ClinVar variation 1724997 (VCV001724997.2), dbSNP rs587775407, ClinGen allele CA342336964.
Genomic context (GRCh38, chr1:150,805,926, plus strand): 5'-TTTTGACAGGAGTAACATATCCTTTCTTTCGATAGTCGACAGAGTCTGGGGCTCTACCTT[C>A]CCATTCTGGGATATAAAGGGTGTCATTACTGCGGGAATGAGACAGGGGTACTTTGAGTCC-3'